The following is an entry in ClinVar:

ClinVar aggregate classification (germline): Uncertain significance (1 of 4 stars; one submission).

Allele frequency attached by ClinVar (database versions not stated): gnomAD 0.00001; TOPMed 0.00001.

Submission:

Women's Health and Genetics/Laboratory Corporation of America, LabCorp
Classification: Uncertain significance. Last evaluated: 2024-04-19. Review status: criteria provided, single submitter. Criteria: LabCorp Variant Classification Summary - May 2015. Collection method: clinical testing. Allele origin: germline.
Comment: Variant summary: SRRM2 c.1307C>G (p.Ser436Cys) results in a non-conservative amino acid change in the encoded protein sequence. Four of five in-silico tools predict a damaging effect of the variant on protein function. The variant was absent in 250810 control chromosomes. The available data on variant occurrences in the general population are insufficient to allow any conclusion about variant significance. To our knowledge, no occurrence of c.1307C>G in individuals affected with Intellectual Developmental Disorder, Autosomal Dominant 72 and no experimental evidence demonstrating its impact on protein function have been reported. No submitters have cited clinical-significance assessments for this variant to ClinVar. Based on the evidence outlined above, the variant was classified as uncertain significance.

NM_016333.4(SRRM2):c.1307C>G (p.Ser436Cys)

Gene: SRRM2 (serine/arginine repetitive matrix 2; plus strand). Cytogenetic location: 16p13.3.
Variant type: single nucleotide variant.
Coding change: c.1307C>G on transcript NM_016333.4 (MANE Select); coding-DNA position 1307, C replaced by G.
Protein change: p.Ser436Cys; replaces serine 436 with cysteine.
Molecular consequence: missense variant.
Genome position (GRCh38, 1-based): chr16:2,761,835, C>G. VCF-style: chr16-2761835-C-G. GRCh37 (hg19) VCF-style: chr16-2811836-C-G.
Other names: short protein forms S436C.
Identifiers: ClinVar variation 3251835 (VCV003251835.1), dbSNP rs1433384277.